The following is an entry in ClinVar:

NM_024408.4(NOTCH2):c.6682C>T (p.His2228Tyr)

Gene: NOTCH2 (notch receptor 2; minus strand). Cytogenetic location: 1p12.
Variant type: single nucleotide variant.
Coding change: c.6682C>T on transcript NM_024408.4 (MANE Select); coding-DNA position 6682, C replaced by T.
Protein change: p.His2228Tyr; replaces histidine 2228 with tyrosine.
Molecular consequence: missense variant.
Genome position (GRCh38, 1-based): chr1:119,916,040, G>A on the plus strand (C>T on the coding strand, the complement: NOTCH2 is on the minus strand). VCF-style: chr1-119916040-G-A. GRCh37 (hg19) VCF-style: chr1-120458663-G-A.
Other names: short protein forms H2228Y.
Identifiers: ClinVar variation 4746144 (VCV004746144.1).

ClinVar aggregate classification (germline): Uncertain significance (1 of 4 stars; one submission).

Conditions:
Hajdu-Cheney syndrome (HJCYS). Also called: SERPENTINE FIBULA-POLYCYSTIC KIDNEY SYNDROME; Acroosteolysis dominant type; ACROOSTEOLYSIS WITH OSTEOPOROSIS AND CHANGES IN SKULL AND MANDIBLE. Identifiers: Orphanet 955, MedGen C0917715, MONDO:0007057, OMIM 102500.

Submission:

Labcorp Genetics (formerly Invitae), Labcorp
Classification: Uncertain significance for Hajdu-Cheney syndrome. Last evaluated: 2025-04-17. Review status: criteria provided, single submitter. Criteria: Invitae Variant Classification Sherloc (09022015). Collection method: clinical testing. Allele origin: germline.
Comment: This sequence change replaces histidine, which is basic and polar, with tyrosine, which is neutral and polar, at codon 2228 of the NOTCH2 protein (p.His2228Tyr). This variant is not present in population databases (gnomAD no frequency). This variant has not been reported in the literature in individuals affected with NOTCH2-related conditions. Invitae Evidence Modeling of protein sequence and biophysical properties (such as structural, functional, and spatial information, amino acid conservation, physicochemical variation, residue mobility, and thermodynamic stability) indicates that this missense variant is not expected to disrupt NOTCH2 protein function with a negative predictive value of 80%. In summary, the available evidence is currently insufficient to determine the role of this variant in disease. Therefore, it has been classified as a Variant of Uncertain Significance.